The following is an entry in ClinVar:

ClinVar aggregate classification (germline): Uncertain significance. Review status: criteria provided, multiple submitters, no conflicts (2 of 4 stars). 3 submissions from 3 submitters: Uncertain significance (3). Last evaluated 2026-05-13.

Conditions:
Primary open angle glaucoma (POAG). Also called: OPTN-related open angle glaucoma. Identifiers: MedGen C0339573, MONDO:0100553, OMIM 137760.
Glaucoma 1, open angle, E. Identifiers: MedGen C1842026, MONDO:0007665.
Amyotrophic lateral sclerosis type 12 (ALS12). Also called: AMYOTROPHIC LATERAL SCLEROSIS 12 WITH OR WITHOUT FRONTOTEMPORAL DEMENTIA. Identifiers: Orphanet 803, MedGen C3150692, MONDO:0013264, OMIM 613435.
OPTN-related disorder. Also called: OPTN-related condition; OPTN-related disorders.

Allele frequency attached by ClinVar (database versions not stated): gnomAD 0.00002; ExAC 0.00003; TOPMed 0.00005; gnomAD exomes 0.00006.
gnomAD v4.1: 53 of 1,613,864 alleles (0.0033%); highest among the groups gnomAD compares: East Asian, 0.051%; no homozygotes.

Submissions (3):

PreventionGenetics, part of Exact Sciences
Classification: Uncertain significance for OPTN-related condition. Last evaluated: 2026-05-13. Review status: criteria provided, single submitter. Criteria: ACMG Guidelines, 2015. Collection method: clinical testing. Allele origin: germline.
Comment: The OPTN c.407C>T variant is predicted to result in the amino acid substitution p.Ala136Val. This variant has been reported in individuals with amyotrophic lateral sclerosis (ALS, Li et al. 2015. PubMed ID: 26503823; Liu et al. 2016. PubMed ID: 27313233) and in an individual with frontotemporal dementia (FTD, Nan et al. 2024. PubMed ID: 38872230). One ALS patient with this variant also carried a variant in the SOD1 gene (Table S4, Liu et al. 2016. PubMed ID: 27313233). This variant is reported in 0.071% of alleles in individuals of East Asian descent in gnomAD. At this time, the clinical significance of this variant is uncertain due to the absence of conclusive functional and genetic evidence.

Labcorp Genetics (formerly Invitae), Labcorp
Classification: Uncertain significance for Primary open angle glaucoma; Glaucoma 1, open angle, E; Amyotrophic lateral sclerosis type 12. Last evaluated: 2024-10-24. Review status: criteria provided, single submitter. Criteria: Invitae Variant Classification Sherloc (09022015). Collection method: clinical testing. Allele origin: germline.
Comment: This sequence change replaces alanine, which is neutral and non-polar, with valine, which is neutral and non-polar, at codon 136 of the OPTN protein (p.Ala136Val). This variant is present in population databases (rs764364218, gnomAD 0.07%). This variant has not been observed in the literature in individuals with autosomal recessive OPTN-related conditions. This variant has been reported in individual(s) with autosomal dominant amyotrophic lateral sclerosis (PMID: 26503823); however, the role of the variant in this condition is currently unclear. ClinVar contains an entry for this variant (Variation ID: 1303264). Invitae Evidence Modeling of protein sequence and biophysical properties (such as structural, functional, and spatial information, amino acid conservation, physicochemical variation, residue mobility, and thermodynamic stability) indicates that this missense variant is not expected to disrupt OPTN protein function with a negative predictive value of 80%. In summary, the available evidence is currently insufficient to determine the role of this variant in disease. Therefore, it has been classified as a Variant of Uncertain Significance.

GeneDx
Classification: Uncertain significance. Last evaluated: 2019-09-09. Review status: criteria provided, single submitter. Criteria: GeneDx Variant Classification Process June 2021. Collection method: clinical testing. Allele origin: germline. Affected: yes.
Comment: In silico analysis, which includes protein predictors and evolutionary conservation, supports that this variant does not alter protein structure/function; Has not been previously reported as pathogenic or benign in association with glaucoma to our knowledge; This variant is associated with the following publications: (PMID: 26503823)

Literature cited by the submitters: PubMed 26503823 (cited by Labcorp Genetics (formerly Invitae), Labcorp).

NM_001008212.2(OPTN):c.407C>T (p.Ala136Val)

Gene: OPTN (optineurin; plus strand). Cytogenetic location: 10p13.
Variant type: single nucleotide variant.
Coding change: c.407C>T on transcript NM_001008212.2 (MANE Select); coding-DNA position 407, C replaced by T.
Protein change: p.Ala136Val; replaces alanine 136 with valine.
Molecular consequence: missense variant.
Genome position (GRCh38, 1-based): chr10:13,112,490, C>T. VCF-style: chr10-13112490-C-T. GRCh37 (hg19) VCF-style: chr10-13154490-C-T.
Other names: c.407C>T, p.Ala136Val (NM_001008211.1, NM_001008213.1, NM_021980.4); short protein forms A136V.
Identifiers: ClinVar variation 1303264 (VCV001303264.7), dbSNP rs764364218, ClinGen allele CA5410619.